The following is an entry in ClinVar:

NM_000380.4(XPA):c.*278T>C

Gene: XPA (XPA, DNA damage recognition and repair factor; minus strand). Cytogenetic location: 9q22.33.
Variant type: single nucleotide variant.
Coding change: c.*278T>C on transcript NM_000380.4 (MANE Select); 278 bases downstream of the stop codon, T replaced by C.
Molecular consequence: 3 prime UTR variant. On other transcripts: non-coding transcript variant (5).
Genome position (GRCh38, 1-based): chr9:97,675,161, A>G on the plus strand (T>C on the coding strand, the complement: XPA is on the minus strand). VCF-style: chr9-97675161-A-G. GRCh37 (hg19) VCF-style: chr9-100437443-A-G.
Other names: c.*278T>C (NM_001354975.2).
Identifiers: ClinVar variation 364082 (VCV000364082.8), dbSNP rs3176753, ClinGen allele CA5148630.

ClinVar aggregate classification (germline): Benign. Review status: criteria provided, multiple submitters, no conflicts (2 of 4 stars). 3 submissions from 3 submitters: Benign (3). Last evaluated 2019-02-28.

Conditions:
Xeroderma pigmentosum group A (XPA). Also called: Xeroderma pigmentosum, complementation group A; XP, group A; XPA-Related Xeroderma Pigmentosum. Identifiers: Orphanet 910, MedGen C0268135, MONDO:0010210, OMIM 278700.

Allele frequency attached by ClinVar (database versions not stated): ExAC 0.00316; gnomAD exomes 0.00578 and 0.00850; gnomAD 0.04121 and 0.04443; 1000 Genomes Project 0.04453; TOPMed 0.04636; 1000 Genomes Project 30x 0.04763.
gnomAD v4.1: 8,819 of 582,410 alleles (1.5%); highest among the groups gnomAD compares: African/African-American, 14%; 584 homozygotes.

Submissions (3):

GeneDx
Classification: Benign. Last evaluated: 2019-02-28. Review status: criteria provided, single submitter. Criteria: GeneDx Variant Classification Process June 2021. Collection method: clinical testing. Allele origin: germline. Affected: yes.

Illumina Laboratory Services, Illumina
Classification: Benign for Xeroderma pigmentosum group A. Last evaluated: 2018-01-12. Review status: criteria provided, single submitter. Criteria: ICSL Variant Classification Criteria 13 December 2019. Collection method: clinical testing. Allele origin: germline.
Comment: This variant was observed in the ICSL laboratory as part of a predisposition screen in an ostensibly healthy population. It had not been previously curated by ICSL or reported in the Human Gene Mutation Database (HGMD: prior to June 1st, 2018), and was therefore a candidate for classification through an automated scoring system. Utilizing variant allele frequency, disease prevalence and penetrance estimates, and inheritance mode, an automated score was calculated to assess if this variant is too frequent to cause the disease. Based on the score and internal cut-off values, a variant classified as benign is not then subjected to further curation. The score for this variant resulted in a classification of benign for this disease.

Breakthrough Genomics
Classification: Benign. Review status: criteria provided, single submitter. Criteria: ACMG Guidelines, 2015. Collection method: not provided. Allele origin: germline. Inheritance: Autosomal recessive inheritance. Affected: yes.